The following is an entry in ClinVar:

NM_000305.3(PON2):c.932C>G (p.Ser311Cys)

Genes: ASB4 (ankyrin repeat and SOCS box containing 4; plus strand), PON2 (paraoxonase 2; minus strand), LOC107986822 (uncharacterized LOC107986822; plus strand). Cytogenetic location: 7q21.3.
Variant type: single nucleotide variant.
Coding change: c.932C>G on transcript NM_000305.3 (MANE Select); coding-DNA position 932, C replaced by G.
Protein change: p.Ser311Cys; replaces serine 311 with cysteine.
Molecular consequence: missense variant.
Genome position (GRCh38, 1-based): chr7:95,405,463, G>C on the plus strand (C>G on the coding strand, the complement: PON2 is on the minus strand). VCF-style: chr7-95405463-G-C. GRCh37 (hg19) VCF-style: chr7-95034775-G-C.
Other names: C311S; c.896C>G, p.Ser299Cys (NM_001018161.2); short protein forms S311C, S299C.
Identifiers: ClinVar variation 7084 (VCV000007084.4), dbSNP rs7493, ClinGen allele CA118611.

ClinVar aggregate classification (germline): Benign. Review status: criteria provided, multiple submitters, no conflicts (2 of 4 stars). 3 submissions from 3 submitters: Benign (2). 1 of the submissions does not count toward it. Last evaluated 2021-06-09.

Conditions:
PARAOXONASE 2 POLYMORPHISM.

Allele frequency attached by ClinVar (database versions not stated): gnomAD 0.26718 and 0.26819; ExAC 0.27098; gnomAD exomes 0.26756 and 0.25272; 1000 Genomes Project 30x 0.28357; TOPMed 0.24647; 1000 Genomes Project 0.28335.

Submissions (3):

GeneDx
Classification: Benign. Last evaluated: 2021-06-09. Review status: criteria provided, single submitter. Criteria: GeneDx Variant Classification Process June 2021. Collection method: clinical testing. Allele origin: germline. Affected: yes.
Comment: This variant is associated with the following publications: (PMID: 18759523, 21303902, 19930448, 19840942, 23225229, 19540141, 9443862)

Breakthrough Genomics
Classification: Benign. Review status: criteria provided, single submitter. Criteria: ACMG Guidelines, 2015. Collection method: not provided. Allele origin: germline. Inheritance: Unknown mechanism. Affected: yes.

OMIM
Classification: Benign for PARAOXONASE 2 POLYMORPHISM. Last evaluated: 1998-01-01. Review status: no assertion criteria provided. Collection method: literature only. Allele origin: germline. Not counted in ClinVar's aggregate classification.

Literature cited by the submitters: PubMed 9443862 (cited by OMIM).